The following is an entry in ClinVar:

ClinVar aggregate classification (germline): Uncertain significance (1 of 4 stars; one submission).

Conditions:
Hereditary cancer-predisposing syndrome. Also called: Neoplastic Syndromes, Hereditary; Tumor predisposition; Hereditary Cancer Syndrome; Hereditary neoplastic syndrome. Identifiers: Orphanet 140162, MedGen C0027672, MeSH D009386, MONDO:0015356.

Submission:

Ambry Genetics
Classification: Uncertain significance for Hereditary cancer-predisposing syndrome. Last evaluated: 2026-05-14. Review status: criteria provided, single submitter. Criteria: Ambry Variant Classification Scheme 2023. Collection method: clinical testing. Allele origin: germline.
Comment: The p.S24I variant (also known as c.71G>T), located in coding exon 1 of the CHEK2 gene, results from a G to T substitution at nucleotide position 71. The serine at codon 24 is replaced by isoleucine, an amino acid with dissimilar properties. This amino acid position is conserved. In addition, this alteration is predicted to be tolerated by in silico analysis. Based on the available evidence, the clinical significance of this variant remains unclear.

NM_007194.4(CHEK2):c.71G>T (p.Ser24Ile)

Gene: CHEK2 (checkpoint kinase 2; minus strand). Cytogenetic location: 22q12.1.
Variant type: single nucleotide variant.
Coding change: c.71G>T on transcript NM_007194.4 (MANE Select); coding-DNA position 71, G replaced by T.
Protein change: p.Ser24Ile; replaces serine 24 with isoleucine.
Molecular consequence: missense variant. On other transcripts: 5 prime UTR variant (1), intron variant (1).
Genome position (GRCh38, 1-based): chr22:28,734,651, C>A on the plus strand (G>T on the coding strand, the complement: CHEK2 is on the minus strand). VCF-style: chr22-28734651-C-A. GRCh37 (hg19) VCF-style: chr22-29130639-C-A.
Other names: c.71G>T, p.Ser24Ile (NM_001005735.3, NM_001349956.3, NM_001438293.1 and 3 more transcripts); c.-707G>T (NM_001257387.3); c.-345+7118G>T (NM_001437942.1); short protein forms S24I.
Identifiers: ClinVar variation 4868938 (VCV004868938.1).
Genomic context (GRCh38, chr22:28,734,651, plus strand): 5'-CTGGTAGAGGAGCTGGATATGCCCTGGGACTGTGAGGAGGAGCCTTGGGACTGGGTAACG[C>A]TGCCATGGGGCTGTGAACAGGCACTGCTGCCATGAGACTGCTGAGCCTCAACATCCGACT-3'
Protein context (NP_009125.1, residues 14-34): GSSACSQPHG[Ser24Ile]VTQSQGSSSQ